The following is an entry in ClinVar:

ClinVar aggregate classification (germline): Uncertain significance. Review status: criteria provided, multiple submitters, no conflicts (2 of 4 stars). 2 submissions from 2 submitters: Uncertain significance (2). Last evaluated 2025-09-26.

Conditions:
Inborn genetic diseases. Identifiers: MedGen C0950123, MeSH D030342.

gnomAD v4.1: 52 of 1,594,054 alleles (0.0033%); highest among the groups gnomAD compares: East Asian, 0.011%; no homozygotes.

Submissions (2):

Ambry Genetics
Classification: Uncertain significance for Inborn genetic diseases. Last evaluated: 2025-09-26. Review status: criteria provided, single submitter. Criteria: Ambry Variant Classification Scheme 2023. Collection method: clinical testing. Allele origin: germline.

Labcorp Genetics (formerly Invitae), Labcorp
Classification: Uncertain significance. Last evaluated: 2025-01-13. Review status: criteria provided, single submitter. Criteria: Invitae Variant Classification Sherloc (09022015). Collection method: clinical testing. Allele origin: germline.
Comment: This sequence change replaces proline, which is neutral and non-polar, with serine, which is neutral and polar, at codon 294 of the MMP14 protein (p.Pro294Ser). The frequency data for this variant in the population databases is considered unreliable, as metrics indicate poor data quality at this position in the gnomAD database. This variant has not been reported in the literature in individuals affected with MMP14-related conditions. Invitae Evidence Modeling of protein sequence and biophysical properties (such as structural, functional, and spatial information, amino acid conservation, physicochemical variation, residue mobility, and thermodynamic stability) indicates that this missense variant is not expected to disrupt MMP14 protein function with a negative predictive value of 80%. In summary, the available evidence is currently insufficient to determine the role of this variant in disease. Therefore, it has been classified as a Variant of Uncertain Significance.

NM_004995.4(MMP14):c.880C>T (p.Pro294Ser)

Gene: MMP14 (matrix metallopeptidase 14; plus strand). Cytogenetic location: 14q11.2.
Variant type: single nucleotide variant.
Coding change: c.880C>T on transcript NM_004995.4 (MANE Select); coding-DNA position 880, C replaced by T.
Protein change: p.Pro294Ser; replaces proline 294 with serine.
Molecular consequence: missense variant.
Genome position (GRCh38, 1-based): chr14:22,843,739, C>T. VCF-style: chr14-22843739-C-T. GRCh37 (hg19) VCF-style: chr14-23312948-C-T.
Other names: c.880C>T (NM_004995.2); short protein forms P294S.
Identifiers: ClinVar variation 3632562 (VCV003632562.3).